The following is an entry in ClinVar:

NM_019098.5(CNGB3):c.776T>A (p.Ile259Lys)

Gene: CNGB3 (cyclic nucleotide gated channel subunit beta 3; minus strand). Cytogenetic location: 8q21.3.
Variant type: single nucleotide variant.
Coding change: c.776T>A on transcript NM_019098.5 (MANE Select); coding-DNA position 776, T replaced by A.
Protein change: p.Ile259Lys; replaces isoleucine 259 with lysine.
Molecular consequence: missense variant.
Genome position (GRCh38, 1-based): chr8:86,667,001, A>T on the plus strand (T>A on the coding strand, the complement: CNGB3 is on the minus strand). VCF-style: chr8-86667001-A-T. GRCh37 (hg19) VCF-style: chr8-87679229-A-T.
Other names: short protein forms I259K.
Identifiers: ClinVar variation 2037870 (VCV002037870.1), dbSNP rs36099871, ClinGen allele CA371449408.

ClinVar aggregate classification (germline): Uncertain significance (1 of 4 stars; one submission).

Submission:

Labcorp Genetics (formerly Invitae), Labcorp
Classification: Uncertain significance. Last evaluated: 2022-08-09. Review status: criteria provided, single submitter. Criteria: Invitae Variant Classification Sherloc (09022015). Collection method: clinical testing. Allele origin: germline.
Comment: This sequence change replaces isoleucine, which is neutral and non-polar, with lysine, which is basic and polar, at codon 259 of the CNGB3 protein (p.Ile259Lys). This variant is not present in population databases (gnomAD no frequency). This variant has not been reported in the literature in individuals affected with CNGB3-related conditions. Advanced modeling of protein sequence and biophysical properties (such as structural, functional, and spatial information, amino acid conservation, physicochemical variation, residue mobility, and thermodynamic stability) performed at Invitae indicates that this missense variant is not expected to disrupt CNGB3 protein function. In summary, the available evidence is currently insufficient to determine the role of this variant in disease. Therefore, it has been classified as a Variant of Uncertain Significance.